The following is an entry in ClinVar:

NM_001127222.2(CACNA1A):c.4726G>A (p.Ala1576Thr)

Gene: CACNA1A (calcium voltage-gated channel subunit alpha1 A; minus strand). Cytogenetic location: 19p13.13.
Variant type: single nucleotide variant.
Coding change: c.4726G>A on transcript NM_001127222.2 (MANE Select); coding-DNA position 4726, G replaced by A.
Protein change: p.Ala1576Thr; replaces alanine 1576 with threonine.
Molecular consequence: missense variant.
Genome position (GRCh38, 1-based): chr19:13,255,124, C>T on the plus strand (G>A on the coding strand, the complement: CACNA1A is on the minus strand). VCF-style: chr19-13255124-C-T. GRCh37 (hg19) VCF-style: chr19-13365938-C-T.
Other names: c.4738G>A, p.Ala1580Thr (NM_000068.4, NM_023035.3); c.4729G>A, p.Ala1577Thr (NM_001127221.2, NM_001174080.2); short protein forms A1576T, A1577T, A1580T.
Identifiers: ClinVar variation 1328757 (VCV001328757.6), dbSNP rs2056510591, ClinGen allele CA404338378.

ClinVar aggregate classification (germline): Uncertain significance. Review status: criteria provided, multiple submitters, no conflicts (2 of 4 stars). 3 submissions from 3 submitters: Uncertain significance (3). Last evaluated 2025-04-03.

Conditions:
Inborn genetic diseases. Identifiers: MedGen C0950123, MeSH D030342.
Developmental and epileptic encephalopathy, 42 (DEE42A). Also called: Epileptic encephalopathy, early infantile, 42; DEVELOPMENTAL AND EPILEPTIC ENCEPHALOPATHY 42A; EPILEPTIC ENCEPHALOPATHY, EARLY INFANTILE, 42A. Identifiers: MedGen C4310716, MONDO:0014917, OMIM 617106.
Episodic ataxia type 2 (EA2). Also called: ATAXIA, EPISODIC, WITH NYSTAGMUS; ATAXIA, FAMILIAL PAROXYSMAL; CEREBELLAR ATAXIA, PAROXYSMAL, ACETAZOLAMIDE-RESPONSIVE; CEREBELLOPATHY, HEREDITARY PAROXYSMAL; EPISODIC ATAXIA, NYSTAGMUS-ASSOCIATED; ACETAZOLAMIDE-RESPONSIVE HEREDITARY PAROXYSMAL CEREBELLAR ATAXIA. Identifiers: Orphanet 97, MedGen C1720416, MONDO:0007163, OMIM 108500.

Allele frequency attached by ClinVar (database versions not stated): gnomAD exomes below 0.00001.
gnomAD v4.1: 2 of 1,613,686 alleles (0.00012%); highest among the groups gnomAD compares: Non-Finnish European, 0.000085%; no homozygotes.

Submissions (3):

Ambry Genetics
Classification: Uncertain significance for Inborn genetic diseases. Last evaluated: 2025-04-03. Review status: criteria provided, single submitter. Criteria: Ambry Variant Classification Scheme 2023. Collection method: clinical testing. Allele origin: germline.

Labcorp Genetics (formerly Invitae), Labcorp
Classification: Uncertain significance for Developmental and epileptic encephalopathy, 42; Episodic ataxia type 2. Last evaluated: 2024-04-04. Review status: criteria provided, single submitter. Criteria: Invitae Variant Classification Sherloc (09022015). Collection method: clinical testing. Allele origin: germline.
Comment: This sequence change replaces alanine, which is neutral and non-polar, with threonine, which is neutral and polar, at codon 1577 of the CACNA1A protein (p.Ala1577Thr). This variant is not present in population databases (gnomAD no frequency). This variant has not been reported in the literature in individuals affected with CACNA1A-related conditions. ClinVar contains an entry for this variant (Variation ID: 1328757). Advanced modeling of protein sequence and biophysical properties (such as structural, functional, and spatial information, amino acid conservation, physicochemical variation, residue mobility, and thermodynamic stability) performed at Invitae indicates that this missense variant is expected to disrupt CACNA1A protein function with a positive predictive value of 80%. In summary, the available evidence is currently insufficient to determine the role of this variant in disease. Therefore, it has been classified as a Variant of Uncertain Significance.

GeneDx
Classification: Uncertain significance. Last evaluated: 2021-06-18. Review status: criteria provided, single submitter. Criteria: GeneDx Variant Classification Process June 2021. Collection method: clinical testing. Allele origin: germline. Affected: yes.
Comment: Not observed at significant frequency in large population cohorts (Lek et al., 2016); In silico analysis supports that this missense variant has a deleterious effect on protein structure/function; Has not been previously published as pathogenic or benign to our knowledge; This variant is associated with the following publications: (PMID: 27535533)